The following is an entry in ClinVar:

ClinVar aggregate classification (germline): Likely benign (0 of 4 stars; one submission).

Conditions:
AGRN-related disorder. Also called: AGRN-related condition.

Submission:

PreventionGenetics, part of Exact Sciences
Classification: Likely benign for AGRN-related condition. Last evaluated: 2021-04-07. Review status: no assertion criteria provided. Collection method: clinical testing. Allele origin: germline.
Comment: This variant is classified as likely benign based on ACMG/AMP sequence variant interpretation guidelines (Richards et al. 2015 PMID: 25741868, with internal and published modifications).

NM_198576.4(AGRN):c.114G>T (p.Arg38=)

Gene: AGRN (agrin; plus strand). Cytogenetic location: 1p36.33.
Variant type: single nucleotide variant.
Coding change: c.114G>T on transcript NM_198576.4 (MANE Select); coding-DNA position 114, G replaced by T.
Protein change: p.Arg38=; no amino-acid change (arginine 38 retained).
Molecular consequence: synonymous variant.
Genome position (GRCh38, 1-based): chr1:1,020,286, G>T. VCF-style: chr1-1020286-G-T. GRCh37 (hg19) VCF-style: chr1-955666-G-T.
Other names: c.114G>T, p.Arg38= (NM_001305275.2).
Identifiers: ClinVar variation 3039835 (VCV003039835.2), dbSNP rs2523160347, ClinGen allele CA415349927.